The following is an entry in ClinVar:

NM_005431.2(XRCC2):c.812T>C (p.Ile271Thr)

Gene: XRCC2 (X-ray repair cross complementing 2; minus strand). Cytogenetic location: 7q36.1.
Variant type: single nucleotide variant.
Coding change: c.812T>C on transcript NM_005431.2 (MANE Select); coding-DNA position 812, T replaced by C.
Protein change: p.Ile271Thr; replaces isoleucine 271 with threonine.
Molecular consequence: missense variant.
Genome position (GRCh38, 1-based): chr7:152,648,673, A>G on the plus strand (T>C on the coding strand, the complement: XRCC2 is on the minus strand). VCF-style: chr7-152648673-A-G. GRCh37 (hg19) VCF-style: chr7-152345758-A-G.
Other names: short protein forms I271T.
Identifiers: ClinVar variation 3471471 (VCV003471471.1).

ClinVar aggregate classification (germline): Uncertain significance (1 of 4 stars; one submission).

Conditions:
Hereditary cancer-predisposing syndrome. Also called: Tumor predisposition; Neoplastic Syndromes, Hereditary; Hereditary neoplastic syndrome; Hereditary Cancer Syndrome. Identifiers: Orphanet 140162, MedGen C0027672, MeSH D009386, MONDO:0015356.

Submission:

Ambry Genetics
Classification: Uncertain significance for Hereditary cancer-predisposing syndrome. Last evaluated: 2024-10-06. Review status: criteria provided, single submitter. Criteria: Ambry Variant Classification Scheme 2023. Collection method: clinical testing. Allele origin: germline.
Comment: The p.I271T variant (also known as c.812T>C), located in coding exon 3 of the XRCC2 gene, results from a T to C substitution at nucleotide position 812. The isoleucine at codon 271 is replaced by threonine, an amino acid with similar properties. This amino acid position is conserved. In addition, this alteration is predicted to be tolerated by in silico analysis. Based on the available evidence, the clinical significance of this variant remains unclear.